The following is an entry in ClinVar:

ClinVar aggregate classification (germline): Uncertain significance (1 of 4 stars; one submission).

Allele frequency attached by ClinVar (database versions not stated): gnomAD exomes below 0.00001.
gnomAD v4.1: 1 of 1,614,158 alleles (0.000062%); highest among the groups gnomAD compares: Non-Finnish European, 0.000085%; no homozygotes.

Submission:

Labcorp Genetics (formerly Invitae), Labcorp
Classification: Uncertain significance. Last evaluated: 2021-07-16. Review status: criteria provided, single submitter. Criteria: Invitae Variant Classification Sherloc (09022015). Collection method: clinical testing. Allele origin: germline.
Comment: This sequence change replaces glycine with tryptophan at codon 80 of the CSF1R protein (p.Gly80Trp). The glycine residue is highly conserved and there is a large physicochemical difference between glycine and tryptophan. This variant is not present in population databases (ExAC no frequency). This variant has not been reported in the literature in individuals affected with CSF1R-related conditions. Advanced modeling of protein sequence and biophysical properties (such as structural, functional, and spatial information, amino acid conservation, physicochemical variation, residue mobility, and thermodynamic stability) performed at Invitae indicates that this missense variant is expected to disrupt CSF1R protein function. In summary, the available evidence is currently insufficient to determine the role of this variant in disease. Therefore, it has been classified as a Variant of Uncertain Significance.

NM_001288705.3(CSF1R):c.238G>T (p.Gly80Trp)

Gene: CSF1R (colony stimulating factor 1 receptor; minus strand). Cytogenetic location: 5q32.
Variant type: single nucleotide variant.
Coding change: c.238G>T on transcript NM_001288705.3 (MANE Select); coding-DNA position 238, G replaced by T.
Protein change: p.Gly80Trp; replaces glycine 80 with tryptophan.
Molecular consequence: missense variant. On other transcripts: 5 prime UTR variant (1), non-coding transcript variant (2).
Genome position (GRCh38, 1-based): chr5:150,080,836, C>A on the plus strand (G>T on the coding strand, the complement: CSF1R is on the minus strand). VCF-style: chr5-150080836-C-A. GRCh37 (hg19) VCF-style: chr5-149460399-C-A.
Other names: c.238G>T, p.Gly80Trp (NM_001349736.2, NM_001375320.1, NM_005211.4); c.-207G>T (NM_001375321.1); short protein forms G80W.
Identifiers: ClinVar variation 1523440 (VCV001523440.8), dbSNP rs2113833096, ClinGen allele CA361736143.